The following is an entry in ClinVar:

NM_001113378.2(FANCI):c.3046G>T (p.Glu1016Ter)

Gene: FANCI (FA complementation group I; plus strand). Cytogenetic location: 15q26.1.
Variant type: single nucleotide variant.
Coding change: c.3046G>T on transcript NM_001113378.2 (MANE Select); coding-DNA position 3046, G replaced by T.
Protein change: p.Glu1016Ter; replaces glutamic acid 1016 with a stop codon.
Molecular consequence: nonsense.
Genome position (GRCh38, 1-based): chr15:89,303,903, G>T. VCF-style: chr15-89303903-G-T. GRCh37 (hg19) VCF-style: chr15-89847134-G-T.
Other names: c.2767G>T, p.Glu923Ter (NM_001376910.1); c.3046G>T, p.Glu1016Ter (NM_001376911.1); c.2866G>T, p.Glu956Ter (NM_018193.3); short protein forms E1016*, E956*, E923*.
Identifiers: ClinVar variation 4985392 (VCV004985392.1).

ClinVar aggregate classification (germline): Likely pathogenic (1 of 4 stars; one submission).

Conditions:
FANCI-related disorder. Also called: FANCI-related condition.

Submission:

PreventionGenetics, part of Exact Sciences
Classification: Likely pathogenic for FANCI-related condition. Last evaluated: 2025-12-26. Review status: criteria provided, single submitter. Criteria: ACMG Guidelines, 2015. Collection method: clinical testing. Allele origin: germline.
Comment: The FANCI c.3046G>T variant is predicted to result in premature protein termination (p.Glu1016*). To our knowledge, this variant has not been reported in the literature or in a large population database (gnomAD), indicating this variant is rare. Nonsense variants in FANCI are expected to be pathogenic. This variant is interpreted as likely pathogenic.